The following is an entry in ClinVar:

NM_000204.5(CFI):c.1555G>A (p.Asp519Asn)

Gene: CFI (complement factor I; minus strand). Cytogenetic location: 4q25.
Variant type: single nucleotide variant.
Coding change: c.1555G>A on transcript NM_000204.5 (MANE Select); coding-DNA position 1555, G replaced by A.
Protein change: p.Asp519Asn; replaces aspartic acid 519 with asparagine.
Molecular consequence: missense variant. On other transcripts: non-coding transcript variant (3), intron variant (5).
Genome position (GRCh38, 1-based): chr4:109,741,090, C>T on the plus strand (G>A on the coding strand, the complement: CFI is on the minus strand). VCF-style: chr4-109741090-C-T. GRCh37 (hg19) VCF-style: chr4-110662246-C-T.
Other names: c.1579G>A, p.Asp527Asn (NM_001318057.2); c.1534G>A, p.Asp512Asn (NM_001331035.2); c.1498G>A, p.Asp500Asn (NM_001375283.1); c.946G>A, p.Asp316Asn (NM_001375284.1); c.1513+1401G>A (NM_001375282.1, NM_001375280.1); c.1534+1401G>A (NM_001375281.1, NM_001375279.1); c.1558+1401G>A (NM_001375278.1); short protein forms D519N, D512N, D527N, D316N, D500N.
Identifiers: ClinVar variation 12126 (VCV000012126.8), dbSNP rs121964918, ClinGen allele CA256223.

ClinVar aggregate classification (germline): Conflicting classifications of pathogenicity. Review status: criteria provided, conflicting classifications (1 of 4 stars). 4 submissions from 4 submitters: Pathogenic (1); Uncertain significance (2). 1 of the submissions does not count toward it. Last evaluated 2025-09-26.

Conditions:
CFI-related disorder. Also called: CFI-related condition; CFI-related disorders. Identifiers: MedGen CN239325.
Atypical hemolytic-uremic syndrome with I factor anomaly. Also called: HEMOLYTIC UREMIC SYNDROME, ATYPICAL, SUSCEPTIBILITY TO, 3; AHUS, SUSCEPTIBILITY TO, 3. Identifiers: Orphanet 2134, MedGen C2752039, MONDO:0013041, OMIM 612923.

Allele frequency attached by ClinVar (database versions not stated): gnomAD 0.00001; gnomAD exomes 0.00001; TOPMed 0.00001; ExAC 0.00002.
gnomAD v4.1: 15 of 1,614,004 alleles (0.00093%); highest among the groups gnomAD compares: South Asian, 0.0022%; no homozygotes.

Submissions (4):

Genomenon, Inc
Classification: Pathogenic for CFI-related disorder. Last evaluated: 2025-09-26. Review status: criteria provided, single submitter. Criteria: Genomenon Sequence Variant Interpretation Standards - Updated. Collection method: curation. Allele origin: germline. Affected: yes.
Comment: CFI p.Asp519Asn (c.1555G>A) is a missense variant that changes the amino acid at residue 519 from Aspartic acid to Asparagine. This variant has been observed in at least one proband affected with a CFI-related disorder (PMID:24656451;34169201;27268256;28596415;16621965;32098865). The variant was found to segregate with disease in at least one affected family (PMID:16621965). At least one functional study has demonstrated a substantial alteration in protein function relative to the wild-type (PMID:19877009;17597211). The variant is located in a mutational hotspot. It is absent or not present at a significant frequency in gnomAD. In silico models agree that this variant is possibly or probably damaging. In conclusion, we classify CFI p.Asp519Asn (c.1555G>A) as a pathogenic variant.

Labcorp Genetics (formerly Invitae), Labcorp
Classification: Uncertain significance. Last evaluated: 2024-08-06. Review status: criteria provided, single submitter. Criteria: Invitae Variant Classification Sherloc (09022015). Collection method: clinical testing. Allele origin: germline.
Comment: This sequence change replaces aspartic acid, which is acidic and polar, with asparagine, which is neutral and polar, at codon 519 of the CFI protein (p.Asp519Asn). This variant is present in population databases (rs121964918, gnomAD 0.002%). This missense change has been observed in individual(s) with atypical hemolytic uremic syndrome and complement factor I deficiency (PMID: 16621965, 27268256, 32098865, 34169201). This variant is also known as D501N. ClinVar contains an entry for this variant (Variation ID: 12126). Advanced modeling of protein sequence and biophysical properties (such as structural, functional, and spatial information, amino acid conservation, physicochemical variation, residue mobility, and thermodynamic stability) performed at Invitae indicates that this missense variant is expected to disrupt CFI protein function with a positive predictive value of 80%. Experimental studies have shown that this missense change affects CFI function (PMID: 19877009). Algorithms developed to predict the effect of sequence changes on RNA splicing suggest that this variant may disrupt the consensus splice site. In summary, the available evidence is currently insufficient to determine the role of this variant in disease. Therefore, it has been classified as a Variant of Uncertain Significance.

Blueprint Genetics
Classification: Uncertain significance. Last evaluated: 2023-07-05. Review status: criteria provided, single submitter. Criteria: ACMG Guidelines, 2015. Collection method: clinical testing. Allele origin: germline.

OMIM
Classification: risk factor for HEMOLYTIC UREMIC SYNDROME, ATYPICAL, SUSCEPTIBILITY TO, 3. Last evaluated: 2006-08-15. Review status: no assertion criteria provided. Collection method: literature only. Allele origin: germline. Not counted in ClinVar's aggregate classification.

Literature cited by the submitters: PubMed 24656451 (cited by Genomenon, Inc); 34169201 (cited by Genomenon, Inc); 27268256 (cited by Genomenon, Inc); 28596415 (cited by Genomenon, Inc); 16621965 (cited by Genomenon, Inc); 32098865 (cited by Genomenon, Inc); 19877009 (cited by Genomenon, Inc); 17597211 (cited by Genomenon, Inc); PubMed 16621965 (cited by Labcorp Genetics (formerly Invitae), Labcorp and OMIM); PubMed 27268256 (cited by Labcorp Genetics (formerly Invitae), Labcorp); PubMed 32098865 (cited by Labcorp Genetics (formerly Invitae), Labcorp); PubMed 34169201 (cited by Labcorp Genetics (formerly Invitae), Labcorp); PubMed 19877009 (cited by Labcorp Genetics (formerly Invitae), Labcorp).